The following is an entry in ClinVar:

ClinVar aggregate classification (germline): Conflicting classifications of pathogenicity. Review status: criteria provided, conflicting classifications (1 of 4 stars). 3 submissions from 3 submitters: Uncertain significance (1); Likely benign (2). Last evaluated 2026-09-07.

Conditions:
TPRN-related disorder. Also called: TPRN-related condition.

Allele frequency attached by ClinVar (database versions not stated): gnomAD exomes 0.00013 and 0.00039; ExAC 0.00053; gnomAD 0.00137 and 0.00146; TOPMed 0.00139; ESP Exome Variant Server 0.00208; 1000 Genomes Project 0.00240; 1000 Genomes Project 30x 0.00265.

Submissions (3):

PreventionGenetics, part of Exact Sciences
Classification: Uncertain significance for TPRN-related condition. Last evaluated: 2026-09-07. Review status: criteria provided, single submitter. Criteria: ACMG Guidelines, 2015. Collection method: clinical testing. Allele origin: germline.
Comment: The TPRN c.1336C>T variant is predicted to result in the amino acid substitution p.Arg446Trp. To our knowledge, this variant has not been reported in the literature. This variant is reported in 0.47% of alleles in individuals of African descent in gnomAD. Although we suspect that this variant may be benign, at this time, the clinical significance of this variant is uncertain due to the absence of conclusive functional and genetic evidence.

Labcorp Genetics (formerly Invitae), Labcorp
Classification: Likely benign. Last evaluated: 2025-09-02. Review status: criteria provided, single submitter. Criteria: Invitae Variant Classification Sherloc (09022015). Collection method: clinical testing. Allele origin: germline.

GeneDx
Classification: Likely benign. Last evaluated: 2020-10-29. Review status: criteria provided, single submitter. Criteria: GeneDx Variant Classification Process June 2021. Collection method: clinical testing. Allele origin: germline. Affected: yes.

NM_001128228.3(TPRN):c.1336C>T (p.Arg446Trp)

Gene: TPRN (taperin; minus strand). Cytogenetic location: 9q34.3.
Variant type: single nucleotide variant.
Coding change: c.1336C>T on transcript NM_001128228.3 (MANE Select); coding-DNA position 1336, C replaced by T.
Protein change: p.Arg446Trp; replaces arginine 446 with tryptophan.
Molecular consequence: missense variant.
Genome position (GRCh38, 1-based): chr9:137,199,376, G>A on the plus strand (C>T on the coding strand, the complement: TPRN is on the minus strand). VCF-style: chr9-137199376-G-A. GRCh37 (hg19) VCF-style: chr9-140093828-G-A.
Other names: short protein forms R446W.
Identifiers: ClinVar variation 718496 (VCV000718496.12), dbSNP rs142096737, ClinGen allele CA5362768.
Genomic context (GRCh38, chr9:137,199,376, plus strand): 5'-CCTCCTCCGAGTCTACCTCATCGATGAAGGTGACAGGCAGCCCCGGCCTCACATATTCCC[G>A]GCTATTCTTGGCCAAGCCAGGAACCCTGAGGCCCTCAGCAGGCTCAGCTTCTTCCGAAGC-3'
Protein context (NP_001121700.2, residues 436-456): LRVPGLAKNS[Arg446Trp]EYVRPGLPVT